The following is an entry in ClinVar:

ClinVar aggregate classification (germline): Uncertain significance (0 of 4 stars; one submission).

Conditions:
KSR2-related disorder. Also called: KSR2-related condition.

Allele frequency attached by ClinVar (database versions not stated): TOPMed below 0.00001; gnomAD exomes 0.00001.
gnomAD v4.1: 5 of 1,609,170 alleles (0.00031%); highest among the groups gnomAD compares: Non-Finnish European, 0.00042%; no homozygotes.

Submission:

PreventionGenetics, part of Exact Sciences
Classification: Uncertain significance for KSR2-related condition. Last evaluated: 2024-01-11. Review status: no assertion criteria provided. Collection method: clinical testing. Allele origin: germline.
Comment: The KSR2 c.2122A>G variant is predicted to result in the amino acid substitution p.Ile708Val. To our knowledge, this variant has not been reported in the literature or in a large population database, indicating this variant is rare. At this time, the clinical significance of this variant is uncertain due to the absence of conclusive functional and genetic evidence.

NM_173598.6(KSR2):c.2209A>G (p.Ile737Val)

Gene: KSR2 (kinase suppressor of ras 2; minus strand). Cytogenetic location: 12q24.22.
Variant type: single nucleotide variant.
Coding change: c.2209A>G on transcript NM_173598.6 (MANE Select); coding-DNA position 2209, A replaced by G.
Protein change: p.Ile737Val; replaces isoleucine 737 with valine.
Molecular consequence: missense variant.
Genome position (GRCh38, 1-based): chr12:117,524,862, T>C on the plus strand (A>G on the coding strand, the complement: KSR2 is on the minus strand). VCF-style: chr12-117524862-T-C. GRCh37 (hg19) VCF-style: chr12-117962667-T-C.
Other names: short protein forms I737V.
Identifiers: ClinVar variation 2634728 (VCV002634728.3), dbSNP rs1010452610, ClinGen allele CA245051146.